The following is an entry in ClinVar:

ClinVar aggregate classification (germline): Uncertain significance. Review status: criteria provided, multiple submitters, no conflicts (2 of 4 stars). 5 submissions from 5 submitters: Uncertain significance (5). Last evaluated 2025-11-06.

Conditions:
Inborn genetic diseases. Identifiers: MedGen C0950123, MeSH D030342.
Luscan-Lumish syndrome. Identifiers: Orphanet 597738, MedGen C4085873, MONDO:0014791, OMIM 616831.

Allele frequency attached by ClinVar (database versions not stated): gnomAD exomes 0.00001; gnomAD 0.00003 and 0.00004; TOPMed 0.00008.
gnomAD v4.1: 9 of 1,609,262 alleles (0.00056%); highest among the groups gnomAD compares: Admixed American, 0.01%; no homozygotes.

Submissions (5):

Labcorp Genetics (formerly Invitae), Labcorp
Classification: Uncertain significance for Luscan-Lumish syndrome. Last evaluated: 2025-11-06. Review status: criteria provided, single submitter. Criteria: Invitae Variant Classification Sherloc (09022015). Collection method: clinical testing. Allele origin: germline.
Comment: This sequence change replaces serine, which is neutral and polar, with asparagine, which is neutral and polar, at codon 2015 of the SETD2 protein (p.Ser2015Asn). This variant is present in population databases (no rsID available, gnomAD 0.01%). This variant has not been reported in the literature in individuals affected with SETD2-related conditions. ClinVar contains an entry for this variant (Variation ID: 567889). Invitae Evidence Modeling of protein sequence and biophysical properties (such as structural, functional, and spatial information, amino acid conservation, physicochemical variation, residue mobility, and thermodynamic stability) indicates that this missense variant is not expected to disrupt SETD2 protein function with a negative predictive value of 80%. In summary, the available evidence is currently insufficient to determine the role of this variant in disease. Therefore, it has been classified as a Variant of Uncertain Significance.

Ambry Genetics
Classification: Uncertain significance for Inborn genetic diseases. Last evaluated: 2024-12-16. Review status: criteria provided, single submitter. Criteria: Ambry Variant Classification Scheme 2023. Collection method: clinical testing. Allele origin: germline.

Genome-Nilou Lab
Classification: Uncertain significance for Luscan-Lumish syndrome. Last evaluated: 2022-03-15. Review status: criteria provided, single submitter. Criteria: ACMG Guidelines, 2015. Collection method: clinical testing. Allele origin: germline. Affected: no.

New York Genome Center
Classification: Uncertain significance for Luscan-Lumish syndrome. Last evaluated: 2021-05-28. Review status: criteria provided, single submitter. Criteria: NYGC Assertion Criteria 2020. Collection method: clinical testing. Allele origin: inherited. Observed: 1 heterozygote. Study: CSER-NYCKidSeq.

Revvity Omics, Revvity
Classification: Uncertain significance. Last evaluated: 2019-10-24. Review status: criteria provided, single submitter. Criteria: ACMG Guidelines, 2015. Collection method: clinical testing. Allele origin: germline.

NM_014159.7(SETD2):c.6044G>A (p.Ser2015Asn)

Gene: SETD2 (SET domain containing 2, histone lysine methyltransferase; minus strand). Cytogenetic location: 3p21.31.
Variant type: single nucleotide variant.
Coding change: c.6044G>A on transcript NM_014159.7 (MANE Select); coding-DNA position 6044, G replaced by A.
Protein change: p.Ser2015Asn; replaces serine 2015 with asparagine.
Molecular consequence: missense variant. On other transcripts: non-coding transcript variant (1).
Genome position (GRCh38, 1-based): chr3:47,083,736, C>T on the plus strand (G>A on the coding strand, the complement: SETD2 is on the minus strand). VCF-style: chr3-47083736-C-T. GRCh37 (hg19) VCF-style: chr3-47125226-C-T.
Other names: c.5912G>A, p.Ser1971Asn (NM_001349370.3); short protein forms S2015N, S1971N.
Identifiers: ClinVar variation 567889 (VCV000567889.9), dbSNP rs1366338930, ClinGen allele CA352530214.